The following is an entry in ClinVar:

ClinVar aggregate classification (germline): Uncertain significance. Review status: criteria provided, multiple submitters, no conflicts (2 of 4 stars). 2 submissions from 2 submitters: Uncertain significance (2). Last evaluated 2025-11-29.

Conditions:
Developmental and epileptic encephalopathy, 11 (DEE11). Also called: Early infantile epileptic encephalopathy 11. Identifiers: Orphanet 1934, MedGen C3150987, MONDO:0013388, OMIM 613721.
Seizures, benign familial infantile, 3 (BFIS3). Also called: CONVULSIONS, BENIGN FAMILIAL INFANTILE, 3; Familial neonatal seizures. Identifiers: Orphanet 140927, Orphanet 306, MedGen C1843140, MONDO:0011904, OMIM 607745.

Submissions (2):

GeneDx
Classification: Uncertain significance. Last evaluated: 2025-11-29. Review status: criteria provided, single submitter. Criteria: GeneDx Variant Classification Process June 2021. Collection method: clinical testing. Allele origin: germline. Affected: yes.
Comment: Not observed at significant frequency in large population cohorts (gnomAD); In silico analysis supports that this missense variant has a deleterious effect on protein structure/function; Has not been previously published as pathogenic or benign to our knowledge; This substitution is predicted to be within the C-terminal cytoplasmic domain

Labcorp Genetics (formerly Invitae), Labcorp
Classification: Uncertain significance for Seizures, benign familial infantile, 3; Developmental and epileptic encephalopathy, 11. Last evaluated: 2024-10-22. Review status: criteria provided, single submitter. Criteria: Invitae Variant Classification Sherloc (09022015). Collection method: clinical testing. Allele origin: germline.
Comment: This sequence change replaces arginine, which is basic and polar, with histidine, which is basic and polar, at codon 1864 of the SCN2A protein (p.Arg1864His). This variant is not present in population databases (gnomAD no frequency). This variant has not been reported in the literature in individuals affected with SCN2A-related conditions. ClinVar contains an entry for this variant (Variation ID: 1436566). Invitae Evidence Modeling of protein sequence and biophysical properties (such as structural, functional, and spatial information, amino acid conservation, physicochemical variation, residue mobility, and thermodynamic stability) indicates that this missense variant is expected to disrupt SCN2A protein function with a positive predictive value of 95%. In summary, the available evidence is currently insufficient to determine the role of this variant in disease. Therefore, it has been classified as a Variant of Uncertain Significance.

NM_001040142.2(SCN2A):c.5591G>A (p.Arg1864His)

Gene: SCN2A (sodium voltage-gated channel alpha subunit 2; plus strand). Cytogenetic location: 2q24.3.
Variant type: single nucleotide variant.
Coding change: c.5591G>A on transcript NM_001040142.2 (MANE Select); coding-DNA position 5591, G replaced by A.
Protein change: p.Arg1864His; replaces arginine 1864 with histidine.
Molecular consequence: missense variant.
Genome position (GRCh38, 1-based): chr2:165,389,397, G>A. VCF-style: chr2-165389397-G-A. GRCh37 (hg19) VCF-style: chr2-166245907-G-A.
Other names: c.5591G>A, p.Arg1864His (NM_001040143.2, NM_001371246.1, NM_001371247.1 and 1 more transcripts); c.5591G>A (NM_021007.2); short protein forms R1864H.
Identifiers: ClinVar variation 1436566 (VCV001436566.9), dbSNP rs1558886589, ClinGen allele CA349039459.